The following is an entry in ClinVar:

NM_001348800.3(ZBTB20):c.1177C>A (p.Gln393Lys)

Gene: ZBTB20 (zinc finger and BTB domain containing 20; minus strand). Cytogenetic location: 3q13.31.
Variant type: single nucleotide variant.
Coding change: c.1177C>A on transcript NM_001348800.3 (MANE Select); coding-DNA position 1177, C replaced by A.
Protein change: p.Gln393Lys; replaces glutamine 393 with lysine.
Molecular consequence: missense variant.
Genome position (GRCh38, 1-based): chr3:114,350,901, G>T on the plus strand (C>A on the coding strand, the complement: ZBTB20 is on the minus strand). VCF-style: chr3-114350901-G-T. GRCh37 (hg19) VCF-style: chr3-114069748-G-T.
Other names: c.1177C>A, p.Gln393Lys (NM_001164342.2, NM_001348803.3, NM_001393393.1 and 1 more transcripts); c.958C>A, p.Gln320Lys (NM_001164343.2, NM_001164344.4, NM_001164345.4 and 9 more transcripts); short protein forms Q393K, Q320K.
Identifiers: ClinVar variation 3633360 (VCV003633360.2).
Genomic context (GRCh38, chr3:114,350,901, plus strand): 5'-CAGCCTGCTCGGGTTGGGTGGGTTCAGCCTGGCTGTCCCGCGCCGCCCCAGGCCCAAACT[G>T]CTGCTCCACCGAGTCAGGCTCGGTGCCTATGGAGGAGCTGACGCCCGAGTCGAAGCTTTC-3'
Protein context (NP_001335729.1, residues 383-403): IGTEPDSVEQ[Gln393Lys]FGPGAARDSQ

ClinVar aggregate classification (germline): Uncertain significance (1 of 4 stars; one submission).

Submission:

Labcorp Genetics (formerly Invitae), Labcorp
Classification: Uncertain significance. Last evaluated: 2024-10-04. Review status: criteria provided, single submitter. Criteria: Invitae Variant Classification Sherloc (09022015). Collection method: clinical testing. Allele origin: germline.
Comment: This sequence change replaces glutamine, which is neutral and polar, with lysine, which is basic and polar, at codon 393 of the ZBTB20 protein (p.Gln393Lys). This variant is not present in population databases (gnomAD no frequency). This variant has not been reported in the literature in individuals affected with ZBTB20-related conditions. Invitae Evidence Modeling of protein sequence and biophysical properties (such as structural, functional, and spatial information, amino acid conservation, physicochemical variation, residue mobility, and thermodynamic stability) indicates that this missense variant is not expected to disrupt ZBTB20 protein function with a negative predictive value of 95%. In summary, the available evidence is currently insufficient to determine the role of this variant in disease. Therefore, it has been classified as a Variant of Uncertain Significance.